The following is an entry in ClinVar:

ClinVar aggregate classification (germline): Uncertain significance. Review status: criteria provided, multiple submitters, no conflicts (2 of 4 stars). 2 submissions from 2 submitters: Uncertain significance (2). Last evaluated 2026-02-12.

Conditions:
PEX19-related disorder. Also called: PEX19-related condition.
Peroxisome biogenesis disorder 12A (Zellweger). Also called: Peroxisome biogenesis disorder 12A. Identifiers: Orphanet 912, MedGen C3554002, MONDO:0013951, OMIM 614886.

Allele frequency attached by ClinVar (database versions not stated): gnomAD exomes below 0.00001; ExAC 0.00001.
gnomAD v4.1: 5 of 1,612,420 alleles (0.00031%); highest among the groups gnomAD compares: Non-Finnish European, 0.00042%; no homozygotes.

Submissions (2):

PreventionGenetics, part of Exact Sciences
Classification: Uncertain significance for PEX19-related condition. Last evaluated: 2026-02-12. Review status: criteria provided, single submitter. Criteria: ACMG Guidelines, 2015. Collection method: clinical testing. Allele origin: germline.
Comment: The PEX19 c.506G>A variant is predicted to result in the amino acid substitution p.Gly169Glu. To our knowledge, this variant has not been reported in the literature or in a large population database (gnomAD), indicating this variant is rare. At this time, the clinical significance of this variant is uncertain due to the absence of conclusive functional and genetic evidence.

Labcorp Genetics (formerly Invitae), Labcorp
Classification: Uncertain significance for Peroxisome biogenesis disorder 12A (Zellweger). Last evaluated: 2021-12-29. Review status: criteria provided, single submitter. Criteria: Invitae Variant Classification Sherloc (09022015). Collection method: clinical testing. Allele origin: germline.
Comment: This sequence change replaces glycine, which is neutral and non-polar, with glutamic acid, which is acidic and polar, at codon 169 of the PEX19 protein (p.Gly169Glu). This variant is not present in population databases (gnomAD no frequency). This variant has not been reported in the literature in individuals affected with PEX19-related conditions. Algorithms developed to predict the effect of missense changes on protein structure and function are either unavailable or do not agree on the potential impact of this missense change (SIFT: "Tolerated"; PolyPhen-2: "Possibly Damaging"; Align-GVGD: "Class C0"). In summary, the available evidence is currently insufficient to determine the role of this variant in disease. Therefore, it has been classified as a Variant of Uncertain Significance.

NM_002857.4(PEX19):c.506G>A (p.Gly169Glu)

Gene: PEX19 (peroxisomal biogenesis factor 19; minus strand). Cytogenetic location: 1q23.2.
Variant type: single nucleotide variant.
Coding change: c.506G>A on transcript NM_002857.4 (MANE Select); coding-DNA position 506, G replaced by A.
Protein change: p.Gly169Glu; replaces glycine 169 with glutamic acid.
Molecular consequence: missense variant. On other transcripts: non-coding transcript variant (2).
Genome position (GRCh38, 1-based): chr1:160,282,127, C>T on the plus strand (G>A on the coding strand, the complement: PEX19 is on the minus strand). VCF-style: chr1-160282127-C-T. GRCh37 (hg19) VCF-style: chr1-160251917-C-T.
Other names: c.506G>A, p.Gly169Glu (NM_001193644.1); c.506G>A (NM_002857.3); short protein forms G169E.
Identifiers: ClinVar variation 1508154 (VCV001508154.6), dbSNP rs748793476, ClinGen allele CA1197333.